The following is an entry in ClinVar:

NM_001018115.3(FANCD2):c.2320A>G (p.Met774Val)

Genes: FANCD2 (FA complementation group D2; plus strand), LOC107303338 (3p25 FANCD2 Alu-mediated recombination region; plus strand). Cytogenetic location: 3p25.3.
Variant type: single nucleotide variant.
Coding change: c.2320A>G on transcript NM_001018115.3 (MANE Select); coding-DNA position 2320, A replaced by G.
Protein change: p.Met774Val; replaces methionine 774 with valine.
Molecular consequence: missense variant.
Genome position (GRCh38, 1-based): chr3:10,065,914, A>G. VCF-style: chr3-10065914-A-G. GRCh37 (hg19) VCF-style: chr3-10107598-A-G.
Other names: c.2320A>G, p.Met774Val (NM_001319984.2, NM_001374254.1, NM_033084.6); c.2209A>G, p.Met737Val (NM_001374253.1); short protein forms M774V, M737V.
Identifiers: ClinVar variation 2174953 (VCV002174953.1), dbSNP rs1396396193, ClinGen allele CA351735668.

ClinVar aggregate classification (germline): Uncertain significance (1 of 4 stars; one submission).

Conditions:
Fanconi anemia (FA). Also called: Fanconi's anemia. Identifiers: Orphanet 84, MedGen C0015625, MeSH D005199, MONDO:0019391.

Allele frequency attached by ClinVar (database versions not stated): gnomAD exomes below 0.00001.
gnomAD v4.1: 3 of 1,613,810 alleles (0.00019%); highest among the groups gnomAD compares: East Asian, 0.0022%; no homozygotes.

Submission:

Labcorp Genetics (formerly Invitae), Labcorp
Classification: Uncertain significance for Fanconi anemia. Last evaluated: 2022-09-19. Review status: criteria provided, single submitter. Criteria: Invitae Variant Classification Sherloc (09022015). Collection method: clinical testing. Allele origin: germline.
Comment: This sequence change replaces methionine, which is neutral and non-polar, with valine, which is neutral and non-polar, at codon 774 of the FANCD2 protein (p.Met774Val). This variant is not present in population databases (gnomAD no frequency). This variant has not been reported in the literature in individuals affected with FANCD2-related conditions. Advanced modeling of protein sequence and biophysical properties (such as structural, functional, and spatial information, amino acid conservation, physicochemical variation, residue mobility, and thermodynamic stability) performed at Invitae indicates that this missense variant is expected to disrupt FANCD2 protein function. In summary, the available evidence is currently insufficient to determine the role of this variant in disease. Therefore, it has been classified as a Variant of Uncertain Significance.